The following is an entry in ClinVar:

ClinVar aggregate classification (germline): Likely benign (1 of 4 stars; one submission).

Conditions:
Catecholaminergic polymorphic ventricular tachycardia (CVPT). Also called: Catecholamine-induced polymorphic ventricular tachycardia. Identifiers: Orphanet 3286, MedGen C5574922, MONDO:0017990.

Submission:

All of Us Research Program, National Institutes of Health
Classification: Likely benign for Catecholaminergic polymorphic ventricular tachycardia. Last evaluated: 2024-02-05. Review status: criteria provided, single submitter. Criteria: ACMG Guidelines, 2015. Collection method: clinical testing. Allele origin: germline. Inheritance: Autosomal dominant inheritance. Observed: 1 variant allele, 1 heterozygote.
Comment: This study involves interpretation of variants in research participants for the purpose of population health screening. Participant phenotype was not available at the time of variant classification. Additional details can be found in publication PMID: 35346344, PMCID: PMC8962531

NM_001035.3(RYR2):c.2204-6C>T

Gene: RYR2 (ryanodine receptor 2; plus strand). Cytogenetic location: 1q43.
Variant type: single nucleotide variant.
Coding change: c.2204-6C>T on transcript NM_001035.3 (MANE Select); 6 bases into the intron before coding-DNA position 2204, C replaced by T.
Molecular consequence: intron variant.
Genome position (GRCh38, 1-based): chr1:237,500,705, C>T. VCF-style: chr1-237500705-C-T. GRCh37 (hg19) VCF-style: chr1-237664005-C-T.
Identifiers: ClinVar variation 3075444 (VCV003075444.1), dbSNP rs1664543559, ClinGen allele CA069558.